The following is an entry in ClinVar:

NM_000186.4(CFH):c.496C>T (p.Arg166Trp)

Gene: CFH (complement factor H; plus strand). Cytogenetic location: 1q31.3.
Variant type: single nucleotide variant.
Coding change: c.496C>T on transcript NM_000186.4 (MANE Select); coding-DNA position 496, C replaced by T.
Protein change: p.Arg166Trp; replaces arginine 166 with tryptophan.
Molecular consequence: missense variant.
Genome position (GRCh38, 1-based): chr1:196,677,544, C>T. VCF-style: chr1-196677544-C-T. GRCh37 (hg19) VCF-style: chr1-196646674-C-T.
Other names: c.496C>T, p.Arg166Trp (NM_001014975.3); short protein forms R166W.
Identifiers: ClinVar variation 1698875 (VCV001698875.6), dbSNP rs746222626, ClinGen allele CA343977114.
Genomic context (GRCh38, chr1:196,677,544, plus strand): 5'-TGTTTACCAGTGACAGCACCAGAGAATGGAAAAATTGTCAGTAGTGCAATGGAACCAGAT[C>T]GGGAATACCATTTTGGACAAGCAGTACGGTTTGTATGTAACTCAGGCTACAAGATTGAAG-3'
Protein context (NP_000177.2, residues 156-176): KIVSSAMEPD[Arg166Trp]EYHFGQAVRF

ClinVar aggregate classification (germline): Conflicting classifications of pathogenicity. Review status: criteria provided, conflicting classifications (1 of 4 stars). 3 submissions from 3 submitters: Likely pathogenic (1); Uncertain significance (2). Last evaluated 2026-09-17.

Conditions:
Age related macular degeneration 4. Identifiers: MedGen C1853147, MONDO:0012540, OMIM 610698.

Allele frequency attached by ClinVar (database versions not stated): gnomAD 0.00001; TOPMed 0.00001.

Submissions (3):

Genomenon, Inc
Classification: Likely pathogenic for Age related macular degeneration 4. Last evaluated: 2026-09-17. Review status: criteria provided, single submitter. Criteria: Genomenon Sequence Variant Interpretation Standards - Updated. Collection method: curation. Allele origin: germline. Affected: yes.
Comment: CFH p.Arg166Trp (c.496C>T) is a missense variant that changes the amino acid at codon 166 from arginine to tryptophan. This variant has been observed in at least one proband affected with age-related macular degeneration (PMID: 26501415; 29888403). Functional studies have been reported (PMID: 36643920; 34508573). The presence of pathogenic/likely pathogenic missense variant(s) at the same amino acid position indicates that this residue is likely important for protein function. It is absent or not present at a significant frequency in gnomAD. In silico models predict that this variant is not damaging. In conclusion, we classify CFH p.Arg166Trp (c.496C>T) as a likely pathogenic variant.

Labcorp Genetics (formerly Invitae), Labcorp
Classification: Uncertain significance. Last evaluated: 2023-07-10. Review status: criteria provided, single submitter. Criteria: Invitae Variant Classification Sherloc (09022015). Collection method: clinical testing. Allele origin: germline.
Comment: ClinVar contains an entry for this variant (Variation ID: 1698875). An algorithm developed to predict the effect of missense changes on protein structure and function (PolyPhen-2) suggests that this variant is likely to be disruptive. In summary, the available evidence is currently insufficient to determine the role of this variant in disease. Therefore, it has been classified as a Variant of Uncertain Significance. This sequence change replaces arginine, which is basic and polar, with tryptophan, which is neutral and slightly polar, at codon 166 of the CFH protein (p.Arg166Trp). This variant is present in population databases (no rsID available, gnomAD 0.0009%). This missense change has been observed in individual(s) with age-related macular degeneration (PMID: 34508573, 260501415).

Genetics and Molecular Pathology, SA Pathology
Classification: Uncertain significance for Age related macular degeneration 4. Last evaluated: 2021-12-13. Review status: criteria provided, single submitter. Criteria: ACMG Guidelines, 2015. Collection method: clinical testing. Allele origin: germline. Affected: yes.

Literature cited by the submitters: PubMed 26501415 (cited by Genomenon, Inc); PubMed 29888403 (cited by Genomenon, Inc); PubMed 36643920 (cited by Genomenon, Inc); PubMed 34508573 (cited by Genomenon, Inc and Labcorp Genetics (formerly Invitae), Labcorp); PubMed 260501415 (cited by Labcorp Genetics (formerly Invitae), Labcorp).